The following is an entry in ClinVar:

NM_000108.5(DLD):c.788G>A (p.Arg263His)

Gene: DLD (dihydrolipoamide dehydrogenase; plus strand). Cytogenetic location: 7q31.1.
Variant type: single nucleotide variant.
Coding change: c.788G>A on transcript NM_000108.5 (MANE Select); coding-DNA position 788, G replaced by A.
Protein change: p.Arg263His; replaces arginine 263 with histidine.
Molecular consequence: missense variant.
Genome position (GRCh38, 1-based): chr7:107,915,609, G>A. VCF-style: chr7-107915609-G-A. GRCh37 (hg19) VCF-style: chr7-107556054-G-A.
Other names: p.R263H:CGC>CAC; p.Arg263His; c.491G>A, p.Arg164His (NM_001289750.1); c.719G>A, p.Arg240His (NM_001289751.1); c.644G>A, p.Arg215His (NM_001289752.1); short protein forms R263H, R215H, R240H, R164H.
Identifiers: ClinVar variation 203681 (VCV000203681.51), dbSNP rs145670503, ClinGen allele CA312466.
Genomic context (GRCh38, chr7:107,915,609, plus strand): 5'-AATTTTTAGGTCATGTAGGTGGAGTTGGAATTGATATGGAGATATCTAAAAACTTTCAAC[G>A]CATCCTTCAAAAACAGGGGTTTAAATTTAAATTGAATACAAAGGTTACTGGTGCTACCAA-3'
Protein context (NP_000099.2, residues 253-273): IDMEISKNFQ[Arg263His]ILQKQGFKFK

ClinVar aggregate classification (germline): Conflicting classifications of pathogenicity. Review status: criteria provided, conflicting classifications (1 of 4 stars). 12 submissions from 10 submitters: Uncertain significance (9); Likely benign (2). 1 of the submissions does not count toward it. Last evaluated 2026-01-28.

Conditions:
DLD-related disorder. Also called: DLD-related disorders; DLD-related condition.
Inborn genetic diseases. Identifiers: MedGen C0950123, MeSH D030342.
Pyruvate dehydrogenase complex deficiency (PDHC). Also called: Pyruvate Dehydrogenase Complex Deficiency Disease; Pyruvate dehydrogenase deficiency; Ataxia with lactic acidosis 1; PYRUVATE DECARBOXYLASE DEFICIENCY; PDH DEFICIENCY. Identifiers: Orphanet 765, Orphanet 79243, MedGen C0034345, MONDO:0019169.
Pyruvate dehydrogenase E3 deficiency (DLDD). Also called: DLD DEFICIENCY; E3 DEFICIENCY; Dihydrolipoamide Dehydrogenase E3 Deficiency; Dihydrolipoamide Dehydrogenase (E3) Deficiency; MAPLE SYRUP URINE DISEASE, TYPE III; Lipoamide dehydrogenase deficiency, lactic acidosis due to. Identifiers: Orphanet 2394, Orphanet 765, MedGen C5574660, MONDO:0009529, OMIM 246900.
Leigh syndrome (NULS). Also called: Leigh Disease; Subacute necrotizing encephalopathy; Necrotizing encephalopathy infantile subacute of Leigh; Leigh's syndrome; Leigh's necrotizing encephalopathy; Leigh's disease. Identifiers: Orphanet 506, MedGen C2931891, MONDO:0009723, OMIM 256000.

Allele frequency attached by ClinVar (database versions not stated): 1000 Genomes Project 30x 0.00031; 1000 Genomes Project 0.00040; ExAC 0.00069; gnomAD 0.00080; gnomAD exomes 0.00082 and 0.00088; TOPMed 0.00086; ESP Exome Variant Server 0.00092.

Submissions (12):

Labcorp Genetics (formerly Invitae), Labcorp
Classification: Likely benign for Pyruvate dehydrogenase E3 deficiency. Last evaluated: 2026-01-28. Review status: criteria provided, single submitter. Criteria: Invitae Variant Classification Sherloc (09022015). Collection method: clinical testing. Allele origin: germline.

GeneDx
Classification: Uncertain significance. Last evaluated: 2025-06-16. Review status: criteria provided, single submitter. Criteria: GeneDx Variant Classification Process June 2021. Collection method: clinical testing. Allele origin: germline. Affected: yes.
Comment: Identified through whole exome sequencing in an individual with congenital lactic acidosis; a second variant was not described (PMID: 31683770); In silico analysis supports that this missense variant has a deleterious effect on protein structure/function; This variant is associated with the following publications: (PMID: 33917565, 34426522, 26046463, 28719003, 26740555, 28404951, 36278487, 37614148, 37577182, 31683770)

Mayo Clinic Laboratories, Mayo Clinic
Classification: Uncertain significance. Last evaluated: 2025-02-24. Review status: criteria provided, single submitter. Criteria: ACMG Guidelines, 2015. Collection method: clinical testing. Allele origin: germline. Observed: 7 variant alleles.

Blueprint Genetics
Classification: Uncertain significance. Last evaluated: 2024-10-08. Review status: criteria provided, single submitter. Criteria: ACMG Guidelines, 2015. Collection method: clinical testing. Allele origin: germline.

CeGaT Center for Human Genetics Tuebingen
Classification: Uncertain significance. Last evaluated: 2023-05-01. Review status: criteria provided, single submitter. Criteria: CeGaT Center For Human Genetics Tuebingen Variant Classification Criteria Version 2. Collection method: clinical testing. Allele origin: germline. Affected: yes. Observed: 1 variant allele.

Department of Pathology and Laboratory Medicine, Sinai Health System
Classification: Uncertain significance for pyruvate dehydrogenase E3 deficiency. Last evaluated: 2022-01-25. Review status: criteria provided, single submitter. Criteria: ACMG Guidelines, 2015. Collection method: research. Allele origin: germline.

Ambry Genetics
Classification: Likely benign for Inborn genetic diseases. Last evaluated: 2021-07-23. Review status: criteria provided, single submitter. Criteria: Ambry Variant Classification Scheme 2023. Collection method: clinical testing. Allele origin: germline.

Fulgent Genetics
Classification: Uncertain significance for Pyruvate dehydrogenase E3 deficiency. Last evaluated: 2018-10-31. Review status: criteria provided, single submitter. Criteria: ACMG Guidelines, 2015. Collection method: clinical testing. Allele origin: unknown.

Illumina Laboratory Services, Illumina
Classification: Uncertain significance for Leigh syndrome. Last evaluated: 2017-04-27. Review status: criteria provided, single submitter. Criteria: ICSL Variant Classification Criteria 13 December 2019. Collection method: clinical testing. Allele origin: germline.

Illumina Laboratory Services, Illumina
Classification: Uncertain significance for Pyruvate dehydrogenase complex deficiency. Last evaluated: 2017-04-27. Review status: criteria provided, single submitter. Criteria: ICSL Variant Classification Criteria 13 December 2019. Collection method: clinical testing. Allele origin: germline.

Illumina Laboratory Services, Illumina
Classification: Uncertain significance for Pyruvate dehydrogenase E3 deficiency. Last evaluated: 2017-04-27. Review status: criteria provided, single submitter. Criteria: ICSL Variant Classification Criteria 13 December 2019. Collection method: clinical testing. Allele origin: germline.

Natera, Inc.
Classification: Uncertain significance for Maple syrup urine disease type 3. Last evaluated: 2020-01-02. Review status: no assertion criteria provided. Collection method: clinical testing. Allele origin: germline. Not counted in ClinVar's aggregate classification.

Literature cited by the submitters: PubMed 31683770 (cited by Mayo Clinic Laboratories, Mayo Clinic); PubMed 33917565 (cited by Mayo Clinic Laboratories, Mayo Clinic); PubMed 34426522 (cited by Mayo Clinic Laboratories, Mayo Clinic); PubMed 36278487 (cited by Mayo Clinic Laboratories, Mayo Clinic); PubMed 37577182 (cited by Mayo Clinic Laboratories, Mayo Clinic); PubMed 37614148 (cited by Mayo Clinic Laboratories, Mayo Clinic).